The following is an entry in ClinVar:

NM_003052.5(SLC34A1):c.1880G>A (p.Arg627His)

Gene: SLC34A1 (solute carrier family 34 member 1; plus strand). Cytogenetic location: 5q35.3.
Variant type: single nucleotide variant.
Coding change: c.1880G>A on transcript NM_003052.5 (MANE Select); coding-DNA position 1880, G replaced by A.
Protein change: p.Arg627His; replaces arginine 627 with histidine.
Molecular consequence: missense variant.
Genome position (GRCh38, 1-based): chr5:177,398,246, G>A. VCF-style: chr5-177398246-G-A. GRCh37 (hg19) VCF-style: chr5-176825247-G-A.
Other names: p.Arg627His; c.1880G>A (NM_003052.4); short protein forms R627H.
Identifiers: ClinVar variation 1625875 (VCV001625875.12), dbSNP rs373459733, ClinGen allele CA3580907.

ClinVar aggregate classification (germline): Likely benign. Review status: criteria provided, multiple submitters, no conflicts (2 of 4 stars). 4 submissions from 4 submitters: Likely benign (3). 1 of the submissions does not count toward it. Last evaluated 2026-01-05.

Conditions:
SLC34A1-related disorder. Also called: SLC34A1-related disorders; SLC34A1-related condition.

Allele frequency attached by ClinVar (database versions not stated): gnomAD exomes 0.00011 and 0.00032; ESP Exome Variant Server 0.00015; ExAC 0.00024.
gnomAD v4.1: 192 of 1,599,568 alleles (0.012%); highest among the groups gnomAD compares: Admixed American, 0.11%; no homozygotes.

Submissions (4):

Labcorp Genetics (formerly Invitae), Labcorp
Classification: Likely benign. Last evaluated: 2026-01-05. Review status: criteria provided, single submitter. Criteria: Invitae Variant Classification Sherloc (09022015). Collection method: clinical testing. Allele origin: germline.

Mayo Clinic Laboratories, Mayo Clinic
Classification: Likely benign. Last evaluated: 2025-08-06. Review status: criteria provided, single submitter. Criteria: ACMG Guidelines, 2015. Collection method: clinical testing. Allele origin: germline. Observed: 1 variant allele.
Comment: BS1, BP4_moderate

Blueprint Genetics
Classification: Likely benign. Last evaluated: 2024-09-06. Review status: criteria provided, single submitter. Criteria: ACMG Guidelines, 2015. Collection method: clinical testing. Allele origin: germline.

PreventionGenetics, part of Exact Sciences
Classification: Likely benign for SLC34A1-related condition. Last evaluated: 2023-05-03. Review status: no assertion criteria provided. Collection method: clinical testing. Allele origin: germline. Not counted in ClinVar's aggregate classification.
Comment: This variant is classified as likely benign based on ACMG/AMP sequence variant interpretation guidelines (Richards et al. 2015 PMID: 25741868, with internal and published modifications).